The following is an entry in ClinVar:

ClinVar aggregate classification (germline): Uncertain significance (1 of 4 stars; one submission).

Conditions:
Hypertrophic cardiomyopathy 1 (CMH1). Also called: MYH7-Related Familial Hypertrophic Cardiomyopathy; Familial hypertrophic cardiomyopathy 1. Identifiers: MedGen C3495498, MONDO:0008647, OMIM 192600.

Allele frequency attached by ClinVar (database versions not stated): gnomAD exomes below 0.00001; gnomAD 0.00001.
gnomAD v4.1: 2 of 1,612,950 alleles (0.00012%); highest among the groups gnomAD compares: Non-Finnish European, 0.00017%; no homozygotes.

Submission:

Labcorp Genetics (formerly Invitae), Labcorp
Classification: Uncertain significance for Hypertrophic cardiomyopathy 1. Last evaluated: 2023-09-21. Review status: criteria provided, single submitter. Criteria: Invitae Variant Classification Sherloc (09022015). Collection method: clinical testing. Allele origin: germline.
Comment: In summary, the available evidence is currently insufficient to determine the role of this variant in disease. Therefore, it has been classified as a Variant of Uncertain Significance. Advanced modeling of protein sequence and biophysical properties (such as structural, functional, and spatial information, amino acid conservation, physicochemical variation, residue mobility, and thermodynamic stability) performed at Invitae indicates that this missense variant is not expected to disrupt MYLK2 protein function. This variant has not been reported in the literature in individuals affected with MYLK2-related conditions. This variant is not present in population databases (gnomAD no frequency). This sequence change replaces glycine, which is neutral and non-polar, with arginine, which is basic and polar, at codon 85 of the MYLK2 protein (p.Gly85Arg).

NM_033118.4(MYLK2):c.253G>A (p.Gly85Arg)

Gene: MYLK2 (myosin light chain kinase 2; plus strand). Cytogenetic location: 20q11.21.
Variant type: single nucleotide variant.
Coding change: c.253G>A on transcript NM_033118.4 (MANE Select); coding-DNA position 253, G replaced by A.
Protein change: p.Gly85Arg; replaces glycine 85 with arginine.
Molecular consequence: missense variant.
Genome position (GRCh38, 1-based): chr20:31,820,326, G>A. VCF-style: chr20-31820326-G-A. GRCh37 (hg19) VCF-style: chr20-30408129-G-A.
Other names: short protein forms G85R.
Identifiers: ClinVar variation 2762248 (VCV002762248.3), dbSNP rs1955023201, ClinGen allele CA408525229.